The following is an entry in ClinVar:

ClinVar aggregate classification (germline): Uncertain significance (1 of 4 stars; one submission).

gnomAD v4.1: 7 of 1,589,092 alleles (0.00044%); highest among the groups gnomAD compares: Non-Finnish European, 0.0006%; no homozygotes.

Submission:

Labcorp Genetics (formerly Invitae), Labcorp
Classification: Uncertain significance. Last evaluated: 2022-09-13. Review status: criteria provided, single submitter. Criteria: Invitae Variant Classification Sherloc (09022015). Collection method: clinical testing. Allele origin: germline.
Comment: This sequence change creates a premature translational stop signal (p.Gln615*) in the TRMT1 gene. While this is not anticipated to result in nonsense mediated decay, it is expected to disrupt the last 45 amino acid(s) of the TRMT1 protein. The frequency data for this variant in the population databases is considered unreliable, as metrics indicate poor data quality at this position in the gnomAD database. This variant has not been reported in the literature in individuals affected with TRMT1-related conditions. In summary, the available evidence is currently insufficient to determine the role of this variant in disease. Therefore, it has been classified as a Variant of Uncertain Significance.

NM_001136035.4(TRMT1):c.1843C>T (p.Gln615Ter)

Gene: TRMT1 (tRNA methyltransferase 1; minus strand). Cytogenetic location: 19p13.13.
Variant type: single nucleotide variant.
Coding change: c.1843C>T on transcript NM_001136035.4 (MANE Select); coding-DNA position 1843, C replaced by T.
Protein change: p.Gln615Ter; replaces glutamine 615 with a stop codon.
Molecular consequence: nonsense.
Genome position (GRCh38, 1-based): chr19:13,105,072, G>A on the plus strand (C>T on the coding strand, the complement: TRMT1 is on the minus strand). VCF-style: chr19-13105072-G-A. GRCh37 (hg19) VCF-style: chr19-13215886-G-A.
Other names: c.1756C>T, p.Gln586Ter (NM_001142554.3, NM_001351760.2); c.1735C>T, p.Gln579Ter (NM_001351761.2); c.1060C>T, p.Gln354Ter (NM_001351762.2); c.1843C>T, p.Gln615Ter (NM_017722.5); short protein forms Q586*, Q354*, Q579*, Q615*.
Identifiers: ClinVar variation 2197689 (VCV002197689.1), dbSNP rs373766611, ClinGen allele CA9237452.